The following is an entry in ClinVar:

NM_001371623.1(TCOF1):c.378+16T>C

Gene: TCOF1 (treacle ribosome biogenesis factor 1; plus strand). Cytogenetic location: 5q32.
Variant type: single nucleotide variant.
Coding change: c.378+16T>C on transcript NM_001371623.1 (MANE Select); 16 bases into the intron after coding-DNA position 378, T replaced by C.
Molecular consequence: intron variant.
Genome position (GRCh38, 1-based): chr5:150,367,933, T>C. VCF-style: chr5-150367933-T-C. GRCh37 (hg19) VCF-style: chr5-149747496-T-C.
Other names: c.378+16T>C (NM_001135243.2, NM_001135244.2, NM_001195141.2 and 3 more transcripts).
Identifiers: ClinVar variation 1579188 (VCV001579188.33), dbSNP rs184898865, ClinGen allele CA3510538.

ClinVar aggregate classification (germline): Benign/Likely benign. Review status: criteria provided, multiple submitters, no conflicts (2 of 4 stars). 3 submissions from 3 submitters: Benign (1); Likely benign (2). Last evaluated 2026-01-01.

Conditions:
Treacher Collins syndrome 1 (TCS1). Also called: TCOF1-Related Treacher Collins Syndrome. Identifiers: Orphanet 861, MedGen CN315775, MONDO:0007944, OMIM 154500.

Allele frequency attached by ClinVar (database versions not stated): gnomAD exomes 0.00011 and 0.00035; ExAC 0.00044; 1000 Genomes Project 0.00080; 1000 Genomes Project 30x 0.00094; gnomAD 0.00113 and 0.00125; TOPMed 0.00127; ESP Exome Variant Server 0.00138.
gnomAD v4.1: 332 of 1,613,918 alleles (0.021%); highest among the groups gnomAD compares: African/African-American, 0.39%; 1 homozygote.

Submissions (3):

CeGaT Center for Human Genetics Tuebingen
Classification: Likely benign. Last evaluated: 2026-01-01. Review status: criteria provided, single submitter. Criteria: CeGaT Center For Human Genetics Tuebingen Variant Classification Criteria Version 2. Collection method: clinical testing. Allele origin: germline. Affected: yes. Observed: 5 variant alleles.
Comment: TCOF1: BS1

Labcorp Genetics (formerly Invitae), Labcorp
Classification: Benign for Treacher Collins syndrome 1. Last evaluated: 2025-12-10. Review status: criteria provided, single submitter. Criteria: Invitae Variant Classification Sherloc (09022015). Collection method: clinical testing. Allele origin: germline.

Blueprint Genetics
Classification: Likely benign. Last evaluated: 2024-10-23. Review status: criteria provided, single submitter. Criteria: ACMG Guidelines, 2015. Collection method: clinical testing. Allele origin: germline.